The following is an entry in ClinVar:

ClinVar aggregate classification (germline): Conflicting classifications of pathogenicity. Review status: criteria provided, conflicting classifications (1 of 4 stars). 3 submissions from 3 submitters: Uncertain significance (2); Likely benign (1). Last evaluated 2025-12-02.

Conditions:
Glanzmann thrombasthenia. Also called: THROMBASTHENIA OF GLANZMANN AND NAEGELI; Glanzmann's thrombasthenia; Thrombasthenia; PLATELET GLYCOPROTEIN IIb-IIIa DEFICIENCY. Identifiers: Orphanet 849, MedGen C0040015, MONDO:0100326.
ITGA2B-related disorder. Also called: ITGA2B-related disorders; ITGA2B-related condition.

Allele frequency attached by ClinVar (database versions not stated): gnomAD exomes 0.00006; ExAC 0.00020; gnomAD 0.00042; ESP Exome Variant Server 0.00054; TOPMed 0.00054; 1000 Genomes Project 0.00060; 1000 Genomes Project 30x 0.00078.
gnomAD v4.1: 160 of 1,614,174 alleles (0.0099%); highest among the groups gnomAD compares: African/African-American, 0.19%; 1 homozygote.

Submissions (3):

Labcorp Genetics (formerly Invitae), Labcorp
Classification: Uncertain significance for Glanzmann thrombasthenia. Last evaluated: 2025-12-02. Review status: criteria provided, single submitter. Criteria: Invitae Variant Classification Sherloc (09022015). Collection method: clinical testing. Allele origin: germline.
Comment: This sequence change replaces isoleucine, which is neutral and non-polar, with leucine, which is neutral and non-polar, at codon 529 of the ITGA2B protein (p.Ile529Leu). This variant is present in population databases (rs138393499, gnomAD 0.2%). This variant has not been reported in the literature in individuals affected with ITGA2B-related conditions. ClinVar contains an entry for this variant (Variation ID: 2053832). Invitae Evidence Modeling of protein sequence and biophysical properties (such as structural, functional, and spatial information, amino acid conservation, physicochemical variation, residue mobility, and thermodynamic stability) has been performed for this missense variant. However, the output from this modeling did not meet the statistical confidence thresholds required to predict the impact of this variant on ITGA2B protein function. In summary, the available evidence is currently insufficient to determine the role of this variant in disease. Therefore, it has been classified as a Variant of Uncertain Significance.

PreventionGenetics, part of Exact Sciences
Classification: Likely benign for ITGA2B-related condition. Last evaluated: 2025-03-20. Review status: criteria provided, single submitter. Criteria: ACMG Guidelines, 2015. Collection method: clinical testing. Allele origin: germline.
Comment: This variant is classified as likely benign based on ACMG/AMP sequence variant interpretation guidelines (Richards et al. 2015 PMID: 25741868, with internal and published modifications).

Women's Health and Genetics/Laboratory Corporation of America, LabCorp
Classification: Uncertain significance. Last evaluated: 2023-11-02. Review status: criteria provided, single submitter. Criteria: LabCorp Variant Classification Summary - May 2015. Collection method: clinical testing. Allele origin: germline.
Comment: Variant summary: ITGA2B c.1585A>C (p.Ile529Leu) results in a conservative amino acid change located in the Integrin alpha, first immunoglubulin-like domain (IPR013649) of the encoded protein sequence. Four of five in-silico tools predict a benign effect of the variant on protein function. The variant allele was found at a frequency of 0.00014 in 251480 control chromosomes (gnomAD). To our knowledge, no occurrence of c.1585A>C in individuals affected with ITGA2B-Related Disorders and no experimental evidence demonstrating its impact on protein function have been reported. One submitter has cited a clinical-significance assessment for this variant to ClinVar after 2014 and has classified the variant as uncertain significance. Based on the evidence outlined above, the variant was classified as uncertain significance.

NM_000419.5(ITGA2B):c.1585A>C (p.Ile529Leu)

Gene: ITGA2B (integrin subunit alpha 2b; minus strand). Cytogenetic location: 17q21.31.
Variant type: single nucleotide variant.
Coding change: c.1585A>C on transcript NM_000419.5 (MANE Select); coding-DNA position 1585, A replaced by C.
Protein change: p.Ile529Leu; replaces isoleucine 529 with leucine.
Molecular consequence: missense variant.
Genome position (GRCh38, 1-based): chr17:44,380,261, T>G on the plus strand (A>C on the coding strand, the complement: ITGA2B is on the minus strand). VCF-style: chr17-44380261-T-G. GRCh37 (hg19) VCF-style: chr17-42457629-T-G.
Other names: c.1585A>C (NM_000419.4); short protein forms I529L.
Identifiers: ClinVar variation 2053832 (VCV002053832.6), dbSNP rs138393499, ClinGen allele CA8603034.